The following is an entry in ClinVar:

ClinVar aggregate classification (germline): Uncertain significance (1 of 4 stars; one submission).

Conditions:
Severe combined immunodeficiency due to IKK2 deficiency. Also called: IMMUNODEFICIENCY 15B; Immunodeficiency 15. Identifiers: Orphanet 397787, MedGen C4747743, MONDO:0014267, OMIM 615592.

gnomAD v4.1: 3 of 1,612,462 alleles (0.00019%); highest among the groups gnomAD compares: Non-Finnish European, 0.00025%; no homozygotes.

Submission:

Labcorp Genetics (formerly Invitae), Labcorp
Classification: Uncertain significance for Severe combined immunodeficiency due to IKK2 deficiency. Last evaluated: 2024-10-14. Review status: criteria provided, single submitter. Criteria: Invitae Variant Classification Sherloc (09022015). Collection method: clinical testing. Allele origin: germline.
Comment: This sequence change replaces arginine, which is basic and polar, with glycine, which is neutral and non-polar, at codon 536 of the IKBKB protein (p.Arg536Gly). This variant is not present in population databases (gnomAD no frequency). This variant has not been reported in the literature in individuals affected with IKBKB-related conditions. Invitae Evidence Modeling of protein sequence and biophysical properties (such as structural, functional, and spatial information, amino acid conservation, physicochemical variation, residue mobility, and thermodynamic stability) indicates that this missense variant is not expected to disrupt IKBKB protein function with a negative predictive value of 95%. In summary, the available evidence is currently insufficient to determine the role of this variant in disease. Therefore, it has been classified as a Variant of Uncertain Significance.

NM_001556.3(IKBKB):c.1606C>G (p.Arg536Gly)

Gene: IKBKB (inhibitor of nuclear factor kappa B kinase subunit beta; plus strand). Cytogenetic location: 8p11.21.
Variant type: single nucleotide variant.
Coding change: c.1606C>G on transcript NM_001556.3 (MANE Select); coding-DNA position 1606, C replaced by G.
Protein change: p.Arg536Gly; replaces arginine 536 with glycine.
Molecular consequence: missense variant. On other transcripts: non-coding transcript variant (3).
Genome position (GRCh38, 1-based): chr8:42,320,762, C>G. VCF-style: chr8-42320762-C-G. GRCh37 (hg19) VCF-style: chr8-42178280-C-G.
Other names: c.1414C>G, p.Arg472Gly (NM_001190720.3); c.1429C>G, p.Arg477Gly (NM_001242778.2); short protein forms R477G, R536G, R472G.
Identifiers: ClinVar variation 3637080 (VCV003637080.2).